The following is an entry in ClinVar:

ClinVar aggregate classification (germline): Uncertain significance. Review status: criteria provided, multiple submitters, no conflicts (2 of 4 stars). 4 submissions from 4 submitters: Uncertain significance (4). Last evaluated 2023-04-28.

Conditions:
Dilated cardiomyopathy 1G (CMD1G). Identifiers: Orphanet 154, MedGen C1858763, MONDO:0011400, OMIM 604145.
Autosomal recessive limb-girdle muscular dystrophy type 2J (LGMDR10). Also called: Limb-girdle muscular dystrophy, type 2J; MUSCULAR DYSTROPHY, LIMB-GIRDLE, AUTOSOMAL RECESSIVE 10. Identifiers: Orphanet 140922, MedGen C1837342, MONDO:0012127, OMIM 608807.

Allele frequency attached by ClinVar (database versions not stated): gnomAD 0.00001; gnomAD exomes 0.00001; TOPMed 0.00001.
gnomAD v4.1: 16 of 1,613,828 alleles (0.00099%); highest among the groups gnomAD compares: Non-Finnish European, 0.0013%; no homozygotes.

Submissions (4):

Mayo Clinic Laboratories, Mayo Clinic
Classification: Uncertain significance. Last evaluated: 2023-04-28. Review status: criteria provided, single submitter. Criteria: ACMG Guidelines, 2015. Collection method: clinical testing. Allele origin: germline. Observed: 1 variant allele.

Revvity Omics, Revvity
Classification: Uncertain significance. Last evaluated: 2022-10-01. Review status: criteria provided, single submitter. Criteria: ACMG Guidelines, 2015. Collection method: clinical testing. Allele origin: germline.

Labcorp Genetics (formerly Invitae), Labcorp
Classification: Uncertain significance for Dilated cardiomyopathy 1G; Autosomal recessive limb-girdle muscular dystrophy type 2J. Last evaluated: 2017-03-07. Review status: criteria provided, single submitter. Criteria: Invitae Variant Classification Sherloc (09022015). Collection method: clinical testing. Allele origin: germline.

Biesecker Lab/Clinical Genomics Section, National Institutes of Health
Classification: Uncertain significance. Last evaluated: 2013-06-24. Review status: criteria provided, single submitter. Criteria: Ng et al. (Circ Cardiovasc Genet. 2013). Collection method: research. Allele origin: unknown. Observed: 1 variant allele. Study: ClinSeq.
Comment: The study set was not selected for affection status in relation to any cancer. Pathogenicity categories were based on literature curation. See Pubmed ID:23861362 for details.

Medical sequencing

NM_001267550.2(TTN):c.7468C>T (p.Arg2490Cys)

Genes: TTN (titin; minus strand), LOC126806433 (BRD4-independent group 4 enhancer GRCh37_chr2:179638309-179639508; plus strand). Cytogenetic location: 2q31.2.
Variant type: single nucleotide variant.
Coding change: c.7468C>T on transcript NM_001267550.2 (MANE Select); coding-DNA position 7468, C replaced by T.
Protein change: p.Arg2490Cys; replaces arginine 2490 with cysteine.
Molecular consequence: missense variant.
Genome position (GRCh38, 1-based): chr2:178,773,588, G>A on the plus strand (C>T on the coding strand, the complement: TTN is on the minus strand). VCF-style: chr2-178773588-G-A. GRCh37 (hg19) VCF-style: chr2-179638315-G-A.
Other names: p.Arg2490Cys; c.7468C>T, p.Arg2490Cys (NM_133378.4, NM_001256850.1, NM_133379.5); c.7330C>T, p.Arg2444Cys (NM_003319.4, NM_133432.3, NM_133437.4); short protein forms R2490C, R2444C.
Identifiers: ClinVar variation 192071 (VCV000192071.7), dbSNP rs200131545, ClinGen allele CA238243.